The following is an entry in ClinVar:

ClinVar aggregate classification (germline): Uncertain significance. Review status: criteria provided, multiple submitters, no conflicts (2 of 4 stars). 3 submissions from 3 submitters: Uncertain significance (3). Last evaluated 2024-03-29.

Conditions:
Inborn genetic diseases. Identifiers: MedGen C0950123, MeSH D030342.
Specific granule deficiency. Identifiers: Orphanet 169142, MedGen C0398593, MONDO:0009506.

Allele frequency attached by ClinVar (database versions not stated): gnomAD exomes 0.00001; TOPMed 0.00001; ExAC 0.00002; ESP Exome Variant Server 0.00008.

Submissions (3):

Ambry Genetics
Classification: Uncertain significance for Inborn genetic diseases. Last evaluated: 2024-03-29. Review status: criteria provided, single submitter. Criteria: Ambry Variant Classification Scheme 2023. Collection method: clinical testing. Allele origin: germline.

Blueprint Genetics
Classification: Uncertain significance. Last evaluated: 2022-11-29. Review status: criteria provided, single submitter. Criteria: ACMG Guidelines, 2015. Collection method: clinical testing. Allele origin: germline.

Labcorp Genetics (formerly Invitae), Labcorp
Classification: Uncertain significance for Specific granule deficiency. Last evaluated: 2022-04-25. Review status: criteria provided, single submitter. Criteria: Invitae Variant Classification Sherloc (09022015). Collection method: clinical testing. Allele origin: germline.
Comment: This sequence change replaces proline, which is neutral and non-polar, with leucine, which is neutral and non-polar, at codon 82 of the CEBPE protein (p.Pro82Leu). This variant is present in population databases (rs372292172, gnomAD 0.003%). This variant has not been reported in the literature in individuals affected with CEBPE-related conditions. Algorithms developed to predict the effect of missense changes on protein structure and function are either unavailable or do not agree on the potential impact of this missense change (SIFT: "Deleterious"; PolyPhen-2: "Benign"; Align-GVGD: "Class C0"). In summary, the available evidence is currently insufficient to determine the role of this variant in disease. Therefore, it has been classified as a Variant of Uncertain Significance.

NM_001805.4(CEBPE):c.245C>T (p.Pro82Leu)

Gene: CEBPE (CCAAT enhancer binding protein epsilon; minus strand). Cytogenetic location: 14q11.2.
Variant type: single nucleotide variant.
Coding change: c.245C>T on transcript NM_001805.4 (MANE Select); coding-DNA position 245, C replaced by T.
Protein change: p.Pro82Leu; replaces proline 82 with leucine.
Molecular consequence: missense variant.
Genome position (GRCh38, 1-based): chr14:23,118,847, G>A on the plus strand (C>T on the coding strand, the complement: CEBPE is on the minus strand). VCF-style: chr14-23118847-G-A. GRCh37 (hg19) VCF-style: chr14-23588056-G-A.
Other names: c.245C>T (NM_001805.2); short protein forms P82L.
Identifiers: ClinVar variation 1411777 (VCV001411777.5), dbSNP rs372292172, ClinGen allele CA7111252.